The following is an entry in ClinVar:

NM_006734.4(HIVEP2):c.2931_2932del (p.Ser978fs)

Gene: HIVEP2 (HIVEP zinc finger 2; minus strand). Cytogenetic location: 6q24.2.
Variant type: Deletion.
Coding change: c.2931_2932del on transcript NM_006734.4 (MANE Select); coding-DNA positions 2931 to 2932, 2 bases deleted (CA; older notation c.2931_2932delCA).
Protein change: p.Ser978fs; shifts the reading frame from serine 978.
Molecular consequence: frameshift variant.
Genome position (GRCh38, 1-based): chr6:142,771,807-142,771,808, TG deleted on the plus strand (CA on the coding strand, the reverse complement: HIVEP2 is on the minus strand). VCF-style (leftmost placement, unchanged base first): chr6-142771806-CTG-C. GRCh37 (hg19) VCF-style: chr6-143092943-CTG-C.
Other names: short protein forms S978fs.
Identifiers: ClinVar variation 1995920 (VCV001995920.4), dbSNP rs2482835520, ClinGen allele CA2580075228.
Genomic context (GRCh38, chr6:142,771,806, plus strand): 5'-TCCTGCTTAGGAAGTGCAGAAAGCTTACTGGTTTCTTCTCTTTCAAAAGACATGGAGAAA[CTG>C]GAGCTGTGGGACAAGTTGCTTTCTTGGCTGGGGCTGCGGGAGAGGCCTGTGCCTGTGGAT-3'

ClinVar aggregate classification (germline): Pathogenic (1 of 4 stars; one submission).

Submission:

Labcorp Genetics (formerly Invitae), Labcorp
Classification: Pathogenic. Last evaluated: 2022-05-18. Review status: criteria provided, single submitter. Criteria: Invitae Variant Classification Sherloc (09022015). Collection method: clinical testing. Allele origin: germline.
Comment: For these reasons, this variant has been classified as Pathogenic. This variant has not been reported in the literature in individuals affected with HIVEP2-related conditions. This variant is not present in population databases (gnomAD no frequency). This sequence change creates a premature translational stop signal (p.Ser978Phefs*6) in the HIVEP2 gene. It is expected to result in an absent or disrupted protein product. Loss-of-function variants in HIVEP2 are known to be pathogenic (PMID: 27003583).

Literature cited by the submitters: PubMed 27003583.